The following is an entry in ClinVar:

ClinVar aggregate classification (germline): Uncertain significance (1 of 4 stars; one submission).

Conditions:
Haddad syndrome (OHD). Also called: Ondine-Hirschsprung disease. Identifiers: Orphanet 99803, MedGen C1859049, MONDO:0020493.

Submission:

Labcorp Genetics (formerly Invitae), Labcorp
Classification: Uncertain significance for Haddad syndrome. Last evaluated: 2020-10-12. Review status: criteria provided, single submitter. Criteria: Invitae Variant Classification Sherloc (09022015). Collection method: clinical testing. Allele origin: germline.
Comment: In summary, the available evidence is currently insufficient to determine the role of this variant in disease. Therefore, it has been classified as a Variant of Uncertain Significance. Experimental studies and prediction algorithms are not available or were not evaluated, and the functional significance of this variant is currently unknown. This variant has not been reported in the literature in individuals with PHOX2B-related conditions. The frequency data for this variant in the population databases is considered unreliable, as metrics indicate insufficient coverage at this position in the ExAC database. This sequence change results in a premature translational stop signal in the PHOX2B gene (p.Glu235*). While this is not anticipated to result in nonsense mediated decay, it is expected to disrupt the last 80 amino acid(s) of the PHOX2B protein.

NM_003924.4(PHOX2B):c.703G>T (p.Glu235Ter)

Gene: PHOX2B (paired like homeobox 2B; minus strand). Cytogenetic location: 4p13.
Variant type: single nucleotide variant.
Coding change: c.703G>T on transcript NM_003924.4 (MANE Select); coding-DNA position 703, G replaced by T.
Protein change: p.Glu235Ter; replaces glutamic acid 235 with a stop codon.
Molecular consequence: nonsense.
Genome position (GRCh38, 1-based): chr4:41,746,049, C>A on the plus strand (G>T on the coding strand, the complement: PHOX2B is on the minus strand). VCF-style: chr4-41746049-C-A. GRCh37 (hg19) VCF-style: chr4-41748066-C-A.
Other names: short protein forms E235*.
Identifiers: ClinVar variation 1042791 (VCV001042791.6), dbSNP rs1733883652, ClinGen allele CA356737336.